The following is an entry in ClinVar:

ClinVar aggregate classification (germline): Benign/Likely benign. Review status: criteria provided, multiple submitters, no conflicts (2 of 4 stars). 3 submissions from 3 submitters: Benign (1); Likely benign (1). 1 of the submissions does not count toward it. Last evaluated 2025-05-19.

Conditions:
FIG4-related disorder. Also called: FIG4-related condition; FIG4-related disorders.
Charcot-Marie-Tooth disease type 4. Also called: Charcot-Marie-Tooth disease, type IV; Charcot-Marie-Tooth, Type 4. Identifiers: Orphanet 64749, MedGen C4082197, MONDO:0018995.

Allele frequency attached by ClinVar (database versions not stated): 1000 Genomes Project 30x 0.00016; 1000 Genomes Project 0.00020.
gnomAD v4.1: 65 of 1,532,346 alleles (0.0042%); highest among the groups gnomAD compares: East Asian, 0.14%; no homozygotes.

Submissions (3):

Labcorp Genetics (formerly Invitae), Labcorp
Classification: Benign for Charcot-Marie-Tooth disease type 4. Last evaluated: 2025-05-19. Review status: criteria provided, single submitter. Criteria: Invitae Variant Classification Sherloc (09022015). Collection method: clinical testing. Allele origin: germline.

Blueprint Genetics
Classification: Likely benign. Last evaluated: 2023-09-21. Review status: criteria provided, single submitter. Criteria: ACMG Guidelines, 2015. Collection method: clinical testing. Allele origin: germline.

PreventionGenetics, part of Exact Sciences
Classification: Likely benign for FIG4-related condition. Last evaluated: 2022-10-17. Review status: no assertion criteria provided. Collection method: clinical testing. Allele origin: germline. Not counted in ClinVar's aggregate classification.
Comment: This variant is classified as likely benign based on ACMG/AMP sequence variant interpretation guidelines (Richards et al. 2015 PMID: 25741868, with internal and published modifications).

NM_014845.6(FIG4):c.497+7G>A

Gene: FIG4 (FIG4 phosphoinositide 5-phosphatase; plus strand). Cytogenetic location: 6q21.
Variant type: single nucleotide variant.
Coding change: c.497+7G>A on transcript NM_014845.6 (MANE Select); 7 bases into the intron after coding-DNA position 497, G replaced by A.
Molecular consequence: intron variant.
Genome position (GRCh38, 1-based): chr6:109,732,694, G>A. VCF-style: chr6-109732694-G-A. GRCh37 (hg19) VCF-style: chr6-110053897-G-A.
Other names: c.497+7G>A (NM_014845.5).
Identifiers: ClinVar variation 1168870 (VCV001168870.12), dbSNP rs140111950, ClinGen allele CA3955805.
Genomic context (GRCh38, chr6:109,732,694, plus strand): 5'-TAGGTATCTACGAATATTTCAAAATGTGGACCTATCTAGCAATTTTTACTTTAGGTAAGT[G>A]TGAGGTTAGTTTTGCTCCTATCAATCACATAAACTTTTATATTATTTTCCAGCGGGTAAA-3'